The following is an entry in ClinVar:

NM_003185.4(TAF4):c.1348C>T (p.Gln450Ter)

Gene: TAF4 (TATA-box binding protein associated factor 4; minus strand). Cytogenetic location: 20q13.33.
Variant type: single nucleotide variant.
Coding change: c.1348C>T on transcript NM_003185.4 (MANE Select); coding-DNA position 1348, C replaced by T.
Protein change: p.Gln450Ter; replaces glutamine 450 with a stop codon.
Molecular consequence: nonsense.
Genome position (GRCh38, 1-based): chr20:62,064,463, G>A on the plus strand (C>T on the coding strand, the complement: TAF4 is on the minus strand). VCF-style: chr20-62064463-G-A. GRCh37 (hg19) VCF-style: chr20-60639519-G-A.
Other names: short protein forms Q450*.
Identifiers: ClinVar variation 3242346 (VCV003242346.3), dbSNP rs753587914.

ClinVar aggregate classification (germline): Pathogenic. Review status: criteria provided, multiple submitters, no conflicts (2 of 4 stars). 3 submissions from 3 submitters: Pathogenic (2). 1 of the submissions does not count toward it. Last evaluated 2026-04-16.

Conditions:
Neurodevelopmental disorder. Identifiers: MedGen C1535926, MeSH D065886, MONDO:0700092.
Intellectual developmental disorder, autosomal dominant 73 (MRD73). Also called: TAF4-RELATED NDD; TAF4-RELATED NEURODEVELOPMENTAL DISORDER. Identifiers: MedGen C5830636, MONDO:0957536, OMIM 620450.

Submissions (3):

GeneDx
Classification: Pathogenic. Last evaluated: 2026-04-16. Review status: criteria provided, single submitter. Criteria: GeneDx Variant Classification Process June 2021. Collection method: clinical testing. Allele origin: germline.
Comment: Nonsense variant predicted to result in protein truncation or nonsense mediated decay in a gene for which loss of function is a known mechanism of disease; Not observed at significant frequency in large population cohorts (gnomAD); This variant is associated with the following publications: (PMID: 35904126)

Victorian Clinical Genetics Services, Murdoch Childrens Research Institute
Classification: Pathogenic for Neurodevelopmental disorder. Last evaluated: 2023-07-17. Review status: criteria provided, single submitter. Criteria: ACMG Guidelines, 2015. Collection method: clinical testing. Allele origin: germline. Inheritance: Autosomal dominant inheritance. Affected: yes.
Comment: Based on the classification scheme VCGS_Germline_v1.3.4, this variant is classified as Pathogenic. Following criteria are met: 0102 - Loss of function is a known mechanism of disease in this gene and is associated with neurodevelopmental disorder (MONDO:0700092), TAF4-related. (I) 0107 - This gene is associated with autosomal dominant disease. (I) 0201 - Variant is predicted to cause nonsense-mediated decay (NMD) and loss of protein (premature termination codon is located at least 54 nucleotides upstream of the final exon-exon junction). (SP) 0251 - This variant is heterozygous. (I) 0301 - Variant is absent from gnomAD (both v2 and v3). (SP) 0702 - Other NMD predicted variants comparable to the one identified in this case have strong previous evidence for pathogenicity (PMID: 35904126, PMID: 33875846). (SP) 0802 - This variant has moderate previous evidence of pathogenicity in unrelated individuals. This variant has been reported as de novo in an individual with a syndromic neurodevelopmental disorder (PMID: 35904126). (SP) 0905 - No published segregation evidence has been identified for this variant. (I) 1007 - No published functional evidence has been identified for this variant. (SP) Legend: (SP) - Supporting pathogenic, (I) - Information, (SB) - Supporting benign

OMIM
Classification: Pathogenic for INTELLECTUAL DEVELOPMENTAL DISORDER, AUTOSOMAL DOMINANT 73. Last evaluated: 2024-06-18. Review status: no assertion criteria provided. Collection method: literature only. Allele origin: germline. Not counted in ClinVar's aggregate classification.

Literature cited by the submitters: PubMed 33875846 (cited by Victorian Clinical Genetics Services, Murdoch Childrens Research Institute); PubMed 35904126 (cited by Victorian Clinical Genetics Services, Murdoch Childrens Research Institute and OMIM).